The following is an entry in ClinVar:

NM_003119.4(SPG7):c.829A>T (p.Met277Leu)

Gene: SPG7 (SPG7 matrix AAA peptidase subunit, paraplegin; plus strand). Cytogenetic location: 16q24.3.
Variant type: single nucleotide variant.
Coding change: c.829A>T on transcript NM_003119.4 (MANE Select); coding-DNA position 829, A replaced by T.
Protein change: p.Met277Leu; replaces methionine 277 with leucine.
Molecular consequence: missense variant.
Genome position (GRCh38, 1-based): chr16:89,529,547, A>T. VCF-style: chr16-89529547-A-T. GRCh37 (hg19) VCF-style: chr16-89595955-A-T.
Other names: c.829A>T, p.Met277Leu (NM_001363850.1, NM_199367.3); short protein forms M277L.
Identifiers: ClinVar variation 1492880 (VCV001492880.6), dbSNP rs909738481, ClinGen allele CA397418762.

ClinVar aggregate classification (germline): Uncertain significance (1 of 4 stars; one submission).

Conditions:
Hereditary spastic paraplegia 7 (SPG7). Also called: Autosomal recessive spastic paraplegia type 7; SPG7-related neurologic disorder; SPASTIC PARAPLEGIA 7, AUTOSOMAL RECESSIVE, WITH OR WITHOUT CEREBELLAR ATAXIA; Spastic paraplegia 7; Hereditary spastic paraplegia Paraplegin type. Identifiers: Orphanet 99013, MedGen C1846564, MONDO:0011803, OMIM 607259.

Submission:

Labcorp Genetics (formerly Invitae), Labcorp
Classification: Uncertain significance for Hereditary spastic paraplegia 7. Last evaluated: 2022-08-31. Review status: criteria provided, single submitter. Criteria: Invitae Variant Classification Sherloc (09022015). Collection method: clinical testing. Allele origin: germline.
Comment: This variant is not present in population databases (gnomAD no frequency). This sequence change replaces methionine, which is neutral and non-polar, with leucine, which is neutral and non-polar, at codon 277 of the SPG7 protein (p.Met277Leu). ClinVar contains an entry for this variant (Variation ID: 1492880). This variant has not been reported in the literature in individuals affected with SPG7-related conditions. In summary, the available evidence is currently insufficient to determine the role of this variant in disease. Therefore, it has been classified as a Variant of Uncertain Significance. Algorithms developed to predict the effect of sequence changes on RNA splicing suggest that this variant may disrupt the consensus splice site. Advanced modeling of protein sequence and biophysical properties (such as structural, functional, and spatial information, amino acid conservation, physicochemical variation, residue mobility, and thermodynamic stability) performed at Invitae indicates that this missense variant is not expected to disrupt SPG7 protein function.